The following is an entry in ClinVar:

NM_001130438.3(SPTAN1):c.6042T>G (p.Ser2014=)

Gene: SPTAN1 (spectrin alpha, non-erythrocytic 1; plus strand). Cytogenetic location: 9q34.11.
Variant type: single nucleotide variant.
Coding change: c.6042T>G on transcript NM_001130438.3 (MANE Select); coding-DNA position 6042, T replaced by G.
Protein change: p.Ser2014=; no amino-acid change (serine 2014 retained).
Molecular consequence: synonymous variant.
Genome position (GRCh38, 1-based): chr9:128,625,152, T>G. VCF-style: chr9-128625152-T-G. GRCh37 (hg19) VCF-style: chr9-131387431-T-G.
Other names: c.5967T>G, p.Ser1989= (NM_001195532.2); c.6042T>G, p.Ser2014= (NM_001363759.2); c.5982T>G, p.Ser1994= (NM_001363765.2); c.6027T>G, p.Ser2009= (NM_003127.4).
Identifiers: ClinVar variation 160020 (VCV000160020.19), dbSNP rs142830725, ClinGen allele CA173586.
Genomic context (GRCh38, chr9:128,625,152, plus strand): 5'-TCGTTTTCTAGGTGAAAAGGAGAACAGCTTGAAGACAGATGATTATGGCCGAGACCTGTC[T>G]TCTGTGCAGACGCTCCTCACCAAACAGGTCTGCCCTGGCCCCTTCACTGGTTGAAATGTA-3'
Protein context (NP_001123910.1, residues 2004-2024): LKTDDYGRDL[Ser2014=]SVQTLLTKQE

ClinVar aggregate classification (germline): Benign/Likely benign. Review status: criteria provided, multiple submitters, no conflicts (2 of 4 stars). 5 submissions from 5 submitters: Benign (4); Likely benign (1). Last evaluated 2026-01-13.

Conditions:
Developmental and epileptic encephalopathy, 5 (DEE5). Identifiers: Orphanet 3451, MedGen C3150731, MONDO:0013277, OMIM 613477.
Early-infantile DEE. Also called: Ohtahara syndrome; Early infantile epileptic encephalopathy; Early infantile epileptic encephalopathy with suppression bursts. Identifiers: Orphanet 1934, MedGen C0393706, MONDO:0800491.
Inborn genetic diseases. Identifiers: MedGen C0950123, MeSH D030342.

Allele frequency attached by ClinVar (database versions not stated): gnomAD exomes 0.00016 and 0.00039; TOPMed 0.00020; gnomAD 0.00021 and 0.00023; ESP Exome Variant Server 0.00023; ExAC 0.00035.
gnomAD v4.1: 282 of 1,614,096 alleles (0.017%); highest among the groups gnomAD compares: Admixed American, 0.037%; 1 homozygote.

Submissions (5):

Labcorp Genetics (formerly Invitae), Labcorp
Classification: Likely benign for Early-infantile DEE. Last evaluated: 2026-01-13. Review status: criteria provided, single submitter. Criteria: Invitae Variant Classification Sherloc (09022015). Collection method: clinical testing. Allele origin: germline.

Genome-Nilou Lab
Classification: Benign for Developmental and epileptic encephalopathy, 5. Last evaluated: 2021-07-15. Review status: criteria provided, single submitter. Criteria: ACMG Guidelines, 2015. Collection method: clinical testing. Allele origin: germline. Affected: no.

Ambry Genetics
Classification: Benign for Inborn genetic diseases. Last evaluated: 2019-06-29. Review status: criteria provided, single submitter. Criteria: Ambry Variant Classification Scheme 2023. Collection method: clinical testing. Allele origin: germline.

GeneDx
Classification: Benign. Last evaluated: 2015-05-20. Review status: criteria provided, single submitter. Criteria: GeneDx Variant Classification (06012015). Collection method: clinical testing. Allele origin: germline. Affected: yes.
Comment: This variant is considered likely benign or benign based on one or more of the following criteria: it is a conservative change, it occurs at a poorly conserved position in the protein, it is predicted to be benign by multiple in silico algorithms, and/or has population frequency not consistent with disease.

Genetic Services Laboratory, University of Chicago
Classification: Benign. Last evaluated: 2013-02-08. Review status: criteria provided, single submitter. Criteria: ACMG Guidelines, 2007. Collection method: clinical testing. Allele origin: germline. Inheritance: Autosomal dominant inheritance.